The following is an entry in ClinVar:

NM_005861.4(STUB1):c.114G>C (p.Val38=)

Gene: STUB1 (STIP1 homology and U-box containing protein 1; plus strand). Cytogenetic location: 16p13.3.
Variant type: single nucleotide variant.
Coding change: c.114G>C on transcript NM_005861.4 (MANE Select); coding-DNA position 114, G replaced by C.
Protein change: p.Val38=; no amino-acid change (valine 38 retained).
Molecular consequence: synonymous variant. On other transcripts: 5 prime UTR variant (1).
Genome position (GRCh38, 1-based): chr16:680,639, G>C. VCF-style: chr16-680639-G-C. GRCh37 (hg19) VCF-style: chr16-730639-G-C.
Other names: c.-192G>C (NM_001293197.2).
Identifiers: ClinVar variation 4084319 (VCV004084319.8).
Genomic context (GRCh38, chr16:680,639, plus strand): 5'-AAGCCCCGAGAAGAGCCCGAGCGCGCAGGAGCTCAAGGAGCAGGGCAATCGTCTGTTCGT[G>C]GGCCGAAAGTACCCGGAGGCGGCGGCCTGCTACGGCCGCGCGATCGTGAGTGCGCCCGCG-3'
Protein context (NP_005852.2, residues 28-48): ELKEQGNRLF[Val38=]GRKYPEAAAC

ClinVar aggregate classification (germline): Likely benign. Review status: criteria provided, multiple submitters, no conflicts (2 of 4 stars). 2 submissions from 2 submitters: Likely benign (2). Last evaluated 2025-09-10.

gnomAD v4.1: 29 of 1,356,136 alleles (0.0021%); highest among the groups gnomAD compares: East Asian, 0.003%; no homozygotes.

Submissions (2):

Women's Health and Genetics/Laboratory Corporation of America, LabCorp
Classification: Likely benign. Last evaluated: 2025-09-10. Review status: criteria provided, single submitter. Criteria: LabCorp Variant Classification Summary - May 2015. Collection method: clinical testing. Allele origin: germline.
Comment: Variant summary: STUB1 c.114G>C alters a conserved nucleotide resulting in a synonymous change. Consensus agreement among computation tools predict no significant impact on normal splicing. However, these predictions have yet to be confirmed by functional studies. The variant was absent in 109710 control chromosomes. The available data on variant occurrences in the general population are insufficient to allow any conclusion about variant significance. To our knowledge, no occurrence of c.114G>C in individuals affected with STUB1-related conditions and no experimental evidence demonstrating its impact on protein function have been reported. No submitters have cited clinical-significance assessments for this variant to ClinVar. Based on the evidence outlined above, the variant was classified as likely benign.

CeGaT Center for Human Genetics Tuebingen
Classification: Likely benign. Last evaluated: 2025-08-01. Review status: criteria provided, single submitter. Criteria: CeGaT Center For Human Genetics Tuebingen Variant Classification Criteria Version 2. Collection method: clinical testing. Allele origin: germline. Affected: yes. Observed: 1 variant allele.
Comment: STUB1: BP4, BP7